The following is an entry in ClinVar:

ClinVar aggregate classification (germline): Uncertain significance (1 of 4 stars; one submission).

Allele frequency attached by ClinVar (database versions not stated): ExAC 0.00001; gnomAD 0.00001; gnomAD exomes 0.00002; TOPMed 0.00002.
gnomAD v4.1: 29 of 1,613,742 alleles (0.0018%); highest among the groups gnomAD compares: Non-Finnish European, 0.0023%; no homozygotes.

Submission:

Labcorp Genetics (formerly Invitae), Labcorp
Classification: Uncertain significance. Last evaluated: 2025-09-23. Review status: criteria provided, single submitter. Criteria: Invitae Variant Classification Sherloc (09022015). Collection method: clinical testing. Allele origin: germline.
Comment: This sequence change replaces tyrosine, which is neutral and polar, with cysteine, which is neutral and slightly polar, at codon 195 of the PIK3C2A protein (p.Tyr195Cys). This variant is present in population databases (rs201660387, gnomAD 0.003%). This variant has not been reported in the literature in individuals affected with PIK3C2A-related conditions. ClinVar contains an entry for this variant (Variation ID: 1915603). An algorithm developed to predict the effect of missense changes on protein structure and function (PolyPhen-2) suggests that this variant is likely to be tolerated. In summary, the available evidence is currently insufficient to determine the role of this variant in disease. Therefore, it has been classified as a Variant of Uncertain Significance.

NM_002645.4(PIK3C2A):c.584A>G (p.Tyr195Cys)

Gene: PIK3C2A (phosphatidylinositol-4-phosphate 3-kinase catalytic subunit type 2 alpha; minus strand). Cytogenetic location: 11p15.1.
Variant type: single nucleotide variant.
Coding change: c.584A>G on transcript NM_002645.4 (MANE Select); coding-DNA position 584, A replaced by G.
Protein change: p.Tyr195Cys; replaces tyrosine 195 with cysteine.
Molecular consequence: missense variant. On other transcripts: intron variant (1).
Genome position (GRCh38, 1-based): chr11:17,169,158, T>C on the plus strand (A>G on the coding strand, the complement: PIK3C2A is on the minus strand). VCF-style: chr11-17169158-T-C. GRCh37 (hg19) VCF-style: chr11-17190705-T-C.
Other names: c.584A>G, p.Tyr195Cys (NM_001321378.2, NM_001386870.1); c.-75-13529A>G (NM_001321380.2); short protein forms Y195C.
Identifiers: ClinVar variation 1915603 (VCV001915603.4), dbSNP rs201660387, ClinGen allele CA5901539.